The following is an entry in ClinVar:

ClinVar aggregate classification (germline): Uncertain significance (1 of 4 stars; one submission).

Conditions:
HUWE1-related disorder. Also called: HUWE1-related condition.

gnomAD v4.1: 1 of 1,211,637 alleles (0.000083%); highest among the groups gnomAD compares: Admixed American, 0.0022%; no homozygotes.

Submission:

PreventionGenetics, part of Exact Sciences
Classification: Uncertain significance for HUWE1-related condition. Last evaluated: 2024-11-01. Review status: criteria provided, single submitter. Criteria: ACMG Guidelines, 2015. Collection method: clinical testing. Allele origin: germline.
Comment: The HUWE1 c.4337G>T variant is predicted to result in the amino acid substitution p.Gly1446Val. To our knowledge, this variant has not been reported in the literature. This variant is reported in 0.0036% of alleles in individuals of Latino descent in gnomAD. At this time, the clinical significance of this variant is uncertain due to the absence of conclusive functional and genetic evidence.

NM_031407.7(HUWE1):c.4337G>T (p.Gly1446Val)

Gene: HUWE1 (HECT, UBA and WWE domain containing E3 ubiquitin protein ligase 1; minus strand). Cytogenetic location: Xp11.22.
Variant type: single nucleotide variant.
Coding change: c.4337G>T on transcript NM_031407.7 (MANE Select); coding-DNA position 4337, G replaced by T.
Protein change: p.Gly1446Val; replaces glycine 1446 with valine.
Molecular consequence: missense variant.
Genome position (GRCh38, 1-based): chrX:53,589,671, C>A on the plus strand (G>T on the coding strand, the complement: HUWE1 is on the minus strand). VCF-style: chrX-53589671-C-A. GRCh37 (hg19) VCF-style: chrX-53616631-C-A.
Other names: c.4337G>T, p.Gly1446Val (NM_001441048.1, NM_001441049.1, NM_001441051.1 and 6 more transcripts); c.4358G>T, p.Gly1453Val (NM_001441050.1, NM_001441055.1); short protein forms G1453V, G1446V.
Identifiers: ClinVar variation 4988666 (VCV004988666.1).